The following is an entry in ClinVar:

NM_144499.3(GNAT1):c.926G>C (p.Arg309Pro)

Gene: GNAT1 (G protein subunit alpha transducin 1; plus strand). Cytogenetic location: 3p21.31.
Variant type: single nucleotide variant.
Coding change: c.926G>C on transcript NM_144499.3 (MANE Select); coding-DNA position 926, G replaced by C.
Protein change: p.Arg309Pro; replaces arginine 309 with proline.
Molecular consequence: missense variant.
Genome position (GRCh38, 1-based): chr3:50,194,828, G>C. VCF-style: chr3-50194828-G-C. GRCh37 (hg19) VCF-style: chr3-50232261-G-C.
Other names: c.926G>C, p.Arg309Pro (NM_000172.4); short protein forms R309P.
Identifiers: ClinVar variation 346054 (VCV000346054.10), dbSNP rs367790137, ClinGen allele CA2412769.

ClinVar aggregate classification (germline): Uncertain significance. Review status: criteria provided, multiple submitters, no conflicts (2 of 4 stars). 2 submissions from 2 submitters: Uncertain significance (2). Last evaluated 2025-07-20.

Conditions:
Congenital stationary night blindness autosomal dominant 3. Also called: NIGHT BLINDNESS, CONGENITAL STATIONARY, NOUGARET TYPE. Identifiers: Orphanet 215, MedGen C1864870, MONDO:0012497, OMIM 610444.

Allele frequency attached by ClinVar (database versions not stated): gnomAD 0.00001; TOPMed 0.00001; ExAC 0.00002; gnomAD exomes 0.00002; ESP Exome Variant Server 0.00008.
gnomAD v4.1: 33 of 1,613,776 alleles (0.002%); highest among the groups gnomAD compares: Admixed American, 0.0033%; no homozygotes.

Submissions (2):

Labcorp Genetics (formerly Invitae), Labcorp
Classification: Uncertain significance. Last evaluated: 2025-07-20. Review status: criteria provided, single submitter. Criteria: Invitae Variant Classification Sherloc (09022015). Collection method: clinical testing. Allele origin: germline.
Comment: This sequence change replaces arginine, which is basic and polar, with proline, which is neutral and non-polar, at codon 309 of the GNAT1 protein (p.Arg309Pro). This variant is present in population databases (rs367790137, gnomAD 0.004%). This variant has not been reported in the literature in individuals affected with GNAT1-related conditions. ClinVar contains an entry for this variant (Variation ID: 346054). Invitae Evidence Modeling of protein sequence and biophysical properties (such as structural, functional, and spatial information, amino acid conservation, physicochemical variation, residue mobility, and thermodynamic stability) indicates that this missense variant is not expected to disrupt GNAT1 protein function with a negative predictive value of 80%. In summary, the available evidence is currently insufficient to determine the role of this variant in disease. Therefore, it has been classified as a Variant of Uncertain Significance.

Illumina Laboratory Services, Illumina
Classification: Uncertain significance for Congenital stationary night blindness autosomal dominant 3. Last evaluated: 2018-01-12. Review status: criteria provided, single submitter. Criteria: ICSL Variant Classification Criteria 13 December 2019. Collection method: clinical testing. Allele origin: germline.